The following is an entry in ClinVar:

NM_003126.4(SPTA1):c.4655C>T (p.Ser1552Phe)

Gene: SPTA1 (spectrin alpha, erythrocytic 1; minus strand). Cytogenetic location: 1q23.1.
Variant type: single nucleotide variant.
Coding change: c.4655C>T on transcript NM_003126.4 (MANE Select); coding-DNA position 4655, C replaced by T.
Protein change: p.Ser1552Phe; replaces serine 1552 with phenylalanine.
Molecular consequence: missense variant.
Genome position (GRCh38, 1-based): chr1:158,642,493, G>A on the plus strand (C>T on the coding strand, the complement: SPTA1 is on the minus strand). VCF-style: chr1-158642493-G-A. GRCh37 (hg19) VCF-style: chr1-158612283-G-A.
Other names: short protein forms S1552F.
Identifiers: ClinVar variation 3961524 (VCV003961524.2).

ClinVar aggregate classification (germline): Uncertain significance. Review status: criteria provided, multiple submitters, no conflicts (2 of 4 stars). 2 submissions from 2 submitters: Uncertain significance (2). Last evaluated 2025-05-13.

gnomAD v4.1: 24 of 1,613,562 alleles (0.0015%); highest among the groups gnomAD compares: Non-Finnish European, 0.0019%; no homozygotes.

Submissions (2):

Ambry Genetics
Classification: Uncertain significance. Last evaluated: 2025-05-13. Review status: criteria provided, single submitter. Criteria: Ambry Variant Classification Scheme 2023. Collection method: clinical testing. Allele origin: germline.

ARUP Laboratories, Molecular Genetics and Genomics, ARUP Laboratories
Classification: Uncertain significance. Last evaluated: 2025-02-24. Review status: criteria provided, single submitter. Criteria: ARUP Molecular Germline Variant Investigation Process 2024. Collection method: clinical testing. Allele origin: germline.
Comment: The SPTA1 c.4655C>T; p.Ser1552Phe variant (rs1257858480), to our knowledge, is not reported in the medical literature or gene specific databases. This variant is only observed on one allele in the Genome Aggregation Database (v2.1.1), indicating it is not a common polymorphism. Computational analyses predict that this variant is neutral (REVEL: 0.135). Due to limited information, the clinical significance of this variant is uncertain at this time.